The following is an entry in ClinVar:

NM_005120.3(MED12):c.2444G>A (p.Arg815Gln)

Gene: MED12 (mediator complex subunit 12; plus strand). Cytogenetic location: Xq13.1.
Variant type: single nucleotide variant.
Coding change: c.2444G>A on transcript NM_005120.3 (MANE Select); coding-DNA position 2444, G replaced by A.
Protein change: p.Arg815Gln; replaces arginine 815 with glutamine.
Molecular consequence: missense variant.
Genome position (GRCh38, 1-based): chrX:71,126,057, G>A. VCF-style: chrX-71126057-G-A. GRCh37 (hg19) VCF-style: chrX-70345907-G-A.
Other names: short protein forms R815Q.
Identifiers: ClinVar variation 252962 (VCV000252962.4), dbSNP rs762905361, ClinGen allele CA10444365.

ClinVar aggregate classification (germline): Uncertain significance. Review status: criteria provided, single submitter (1 of 4 stars). 2 submissions from 2 submitters: Uncertain significance (1). 1 of the submissions does not count toward it. Last evaluated 2025-12-08.

Conditions:
FG syndrome (FGS). Identifiers: MedGen C0220769, MONDO:0002010.
FG syndrome 1 (OKS). Also called: OPITZ-KAVEGGIA SYNDROME; KELLER SYNDROME; MENTAL RETARDATION, LARGE HEAD, IMPERFORATE ANUS, CONGENITAL HYPOTONIA, AND PARTIAL AGENESIS OF CORPUS CALLOSUM; FG Syndrome Type 1 (FGS1). Identifiers: Orphanet 93932, MedGen C5399762, MONDO:0010590, OMIM 305450.

Allele frequency attached by ClinVar (database versions not stated): gnomAD 0.00001; gnomAD exomes below 0.00001 and 0.00001; TOPMed below 0.00001; ExAC 0.00001.
gnomAD v4.1: 4 of 1,207,021 alleles (0.00033%); highest among the groups gnomAD compares: East Asian, 0.003%; no homozygotes.

Submissions (2):

Labcorp Genetics (formerly Invitae), Labcorp
Classification: Uncertain significance for FG syndrome. Last evaluated: 2025-12-08. Review status: criteria provided, single submitter. Criteria: Invitae Variant Classification Sherloc (09022015). Collection method: clinical testing. Allele origin: germline.
Comment: This sequence change replaces arginine, which is basic and polar, with glutamine, which is neutral and polar, at codon 815 of the MED12 protein (p.Arg815Gln). This variant is present in population databases (rs762905361, gnomAD 0.008%). This missense change has been observed in individual(s) with MED12-related conditions (PMID: 30006928). It has also been observed to segregate with disease in related individuals. ClinVar contains an entry for this variant (Variation ID: 252962). Invitae Evidence Modeling of protein sequence and biophysical properties (such as structural, functional, and spatial information, amino acid conservation, physicochemical variation, residue mobility, and thermodynamic stability) has been performed for this missense variant. However, the output from this modeling did not meet the statistical confidence thresholds required to predict the impact of this variant on MED12 protein function. In summary, the available evidence is currently insufficient to determine the role of this variant in disease. Therefore, it has been classified as a Variant of Uncertain Significance.

GeneReviews
No classification provided. Condition: FG syndrome. Review status: no classification provided. Collection method: literature only. Allele origin: germline. Not counted in ClinVar's aggregate classification.
Comment: Reported in male sibs with nonspecific intellectual disability

Literature cited by the submitters: PubMed 30006928 (cited by Labcorp Genetics (formerly Invitae), Labcorp and GeneReviews); PubMed 20301719 (cited by GeneReviews).